The following is an entry in ClinVar:

NM_004168.4(SDHA):c.28C>A (p.Leu10Met)

Gene: SDHA (succinate dehydrogenase complex flavoprotein subunit A; plus strand). Cytogenetic location: 5p15.33.
Variant type: single nucleotide variant.
Coding change: c.28C>A on transcript NM_004168.4 (MANE Select); coding-DNA position 28, C replaced by A.
Protein change: p.Leu10Met; replaces leucine 10 with methionine.
Molecular consequence: missense variant.
Genome position (GRCh38, 1-based): chr5:218,383, C>A. VCF-style: chr5-218383-C-A. GRCh37 (hg19) VCF-style: chr5-218498-C-A.
Other names: c.28C>A, p.Leu10Met (NM_001294332.2, NM_001330758.2); short protein forms L10M.
Identifiers: ClinVar variation 4789750 (VCV004789750.1).

ClinVar aggregate classification (germline): Uncertain significance (1 of 4 stars; one submission).

Conditions:
Mitochondrial complex II deficiency, nuclear type 1. Also called: SUCCINATE CoQ REDUCTASE DEFICIENCY. Identifiers: Orphanet 3208, MedGen C5700310, MONDO:0100294, OMIM 252011.
Pheochromocytoma/paraganglioma syndrome 5. Also called: Paragangliomas 5; SDHA-Related Hereditary Paraganglioma-Pheochromocytoma Syndrome. Identifiers: Orphanet 29072, MedGen C3279992, MONDO:0013602, OMIM 614165.

Submission:

Labcorp Genetics (formerly Invitae), Labcorp
Classification: Uncertain significance for Pheochromocytoma/paraganglioma syndrome 5; Mitochondrial complex II deficiency, nuclear type 1. Last evaluated: 2025-09-24. Review status: criteria provided, single submitter. Criteria: Invitae Variant Classification Sherloc (09022015). Collection method: clinical testing. Allele origin: germline.
Comment: This sequence change replaces leucine, which is neutral and non-polar, with methionine, which is neutral and non-polar, at codon 10 of the SDHA protein (p.Leu10Met). This variant is not present in population databases (gnomAD no frequency). This variant has not been reported in the literature in individuals affected with SDHA-related conditions. Invitae Evidence Modeling of protein sequence and biophysical properties (such as structural, functional, and spatial information, amino acid conservation, physicochemical variation, residue mobility, and thermodynamic stability) indicates that this missense variant is not expected to disrupt SDHA protein function with a negative predictive value of 95%. In summary, the available evidence is currently insufficient to determine the role of this variant in disease. Therefore, it has been classified as a Variant of Uncertain Significance.